The following is an entry in ClinVar:

ClinVar aggregate classification (germline): Pathogenic/Likely pathogenic. Review status: criteria provided, multiple submitters, no conflicts (2 of 4 stars). 5 submissions from 5 submitters: Pathogenic (2); Likely pathogenic (2). 1 of the submissions does not count toward it. Last evaluated 2026-03-16.

Conditions:
Polycystic kidney disease, adult type (PKD1). Also called: Polycystic Kidney Disease 1, Autosomal Dominant; Polycystic kidney disease 1; Polycystic kidney disease 1, severe; Polycystic Kidney, Autosomal Dominant; POLYCYSTIC KIDNEY DISEASE 1 WITH OR WITHOUT POLYCYSTIC LIVER DISEASE; POLYCYSTIC KIDNEY DISEASE, ADULT, TYPE I. Identifiers: MedGen C3149841, MONDO:0008263, OMIM 173900.
PKD1-related disorder. Also called: PKD1-related condition.

Submissions (5):

Dasa
Classification: Likely pathogenic for Polycystic kidney disease, adult type. Last evaluated: 2026-03-16. Review status: criteria provided, single submitter. Criteria: DASA Assertion Criteria. Collection method: clinical testing. Allele origin: germline.
Comment: NM_001009944.3(PKD1):c.9568+1G>T affects a canonical splice site and is predicted to disrupt normal RNA splicing. Loss of function is an established disease mechanism for PKD1 (PMID: 25491204; PMID: 24694054; PMID: 29529603). This variant has been reported in individuals with Polycystic kidney disease, adult type. Also, this variant is rare in population databases. Based on the currently available evidence, this variant is classified as likely pathogenic.

GeneDx
Classification: Likely pathogenic. Last evaluated: 2023-07-19. Review status: criteria provided, single submitter. Criteria: GeneDx Variant Classification Process June 2021. Collection method: clinical testing. Allele origin: germline. Affected: yes.
Comment: Canonical splice site variant predicted to result in an in-frame loss of the adjacent exon in a gene for which loss of function is a known mechanism of disease; Not observed at significant frequency in large population cohorts (gnomAD); This variant is associated with the following publications: (PMID: 26453610, 37231942)

Department of Pathology and Laboratory Medicine, Sinai Health System
Classification: Pathogenic for Polycystic kidney disease, adult type. Last evaluated: 2022-11-10. Review status: criteria provided, single submitter. Criteria: ACMG Guidelines, 2015. Collection method: clinical testing. Allele origin: germline. Affected: yes.

Athena Diagnostics
Classification: Pathogenic. Last evaluated: 2020-09-15. Review status: criteria provided, single submitter. Criteria: Athena Diagnostics criteria. Collection method: clinical testing. Allele origin: unknown.
Comment: This variant is expected to severely impact normal RNA splicing, and consequently, protein structure and/or function. This variant has not been reported in large, multi-ethnic general populations. This variant has been identified in at least one individual with clinical features associated with this gene.

PreventionGenetics, part of Exact Sciences
Classification: Pathogenic for PKD1-related condition. Last evaluated: 2024-02-02. Review status: no assertion criteria provided. Collection method: clinical testing. Allele origin: germline. Not counted in ClinVar's aggregate classification.
Comment: The PKD1 c.9568+1G>T variant is predicted to disrupt the GT donor site and interfere with normal splicing. This variant has been reported in an individual with autosomal dominant polycystic kidney disease (ADPKD) (Hwang et al. 2016. PubMed ID: 26453610, Table S2). This variant has not been reported in a large population database, indicating this variant is rare. Variants that disrupt the consensus splice donor site in PKD1 are expected to be pathogenic. This variant is interpreted as pathogenic.

Literature cited by the submitters: PubMed 26453610 (cited by Dasa and Athena Diagnostics); PubMed 27499327 (cited by Dasa); PubMed 25491204 (cited by Dasa); PubMed 24694054 (cited by Dasa); PubMed 29529603 (cited by Dasa).

NM_001009944.3(PKD1):c.9568+1G>T

Gene: PKD1 (polycystin 1, transient receptor potential channel interacting; minus strand). Cytogenetic location: 16p13.3.
Variant type: single nucleotide variant.
Coding change: c.9568+1G>T on transcript NM_001009944.3 (MANE Select); the canonical splice donor site of the intron after coding-DNA position 9568, G replaced by T.
Molecular consequence: splice donor variant.
Genome position (GRCh38, 1-based): chr16:2,100,395, C>A on the plus strand (G>T on the coding strand, the complement: PKD1 is on the minus strand). VCF-style: chr16-2100395-C-A. GRCh37 (hg19) VCF-style: chr16-2150396-C-A.
Other names: c.9568+1G>T (NM_001009944.2, NM_000296.4).
Identifiers: ClinVar variation 1256455 (VCV001256455.7), dbSNP rs2092046394, ClinGen allele CA394355736.